The following is an entry in ClinVar:

ClinVar aggregate classification (germline): Likely benign (1 of 4 stars; one submission).

gnomAD v4.1: 1 of 1,210,850 alleles (0.000083%); highest among the groups gnomAD compares: Non-Finnish European, 0.00011%; no homozygotes.

Submission:

CeGaT Center for Human Genetics Tuebingen
Classification: Likely benign. Last evaluated: 2023-03-01. Review status: criteria provided, single submitter. Criteria: CeGaT Center For Human Genetics Tuebingen Variant Classification Criteria Version 2. Collection method: clinical testing. Allele origin: germline. Affected: yes. Observed: 1 variant allele.
Comment: LUZP4: PM2:Supporting, BP4, BP7

NM_016383.5(LUZP4):c.852G>A (p.Glu284=)

Gene: LUZP4 (leucine zipper protein 4; plus strand). Cytogenetic location: Xq23.
Variant type: single nucleotide variant.
Coding change: c.852G>A on transcript NM_016383.5 (MANE Select); coding-DNA position 852, G replaced by A.
Protein change: p.Glu284=; no amino-acid change (glutamic acid 284 retained).
Molecular consequence: synonymous variant.
Genome position (GRCh38, 1-based): chrX:115,306,714, G>A. VCF-style: chrX-115306714-G-A. GRCh37 (hg19) VCF-style: chrX-114541279-G-A.
Other names: c.606G>A, p.Glu202= (NM_001318840.2).
Identifiers: ClinVar variation 2661251 (VCV002661251.24), dbSNP rs2520457761, ClinGen allele CA518449030.